The following is an entry in ClinVar:

Conditions:
Long QT syndrome 5 (LQT5). Identifiers: Orphanet 101016, Orphanet 768, MedGen C1867904, MONDO:0013372, OMIM 613695.

Submission:

Roden Lab, Vanderbilt University Medical Center
No classification provided (evidence only). Condition: Long QT syndrome 5. Review status: no classification provided. Collection method: in vitro. Allele origin: not applicable. Functional consequence: Effect on ion channel function.
ClinVar note: "not provided" was previously submitted as the classification for the variant. However, the classification appeared to be based only on an observation of functional data so it was converted to no classification on 2025-07-30.

NM_000219.6(KCNE1):c.82T>C (p.Ser28Pro)

Gene: KCNE1 (potassium voltage-gated channel subfamily E regulatory subunit 1; minus strand). Cytogenetic location: 21q22.12.
Variant type: single nucleotide variant.
Coding change: c.82T>C on transcript NM_000219.6 (MANE Select); coding-DNA position 82, T replaced by C.
Protein change: p.Ser28Pro; replaces serine 28 with proline.
Molecular consequence: missense variant.
Genome position (GRCh38, 1-based): chr21:34,449,553, A>G on the plus strand (T>C on the coding strand, the complement: KCNE1 is on the minus strand). VCF-style: chr21-34449553-A-G. GRCh37 (hg19) VCF-style: chr21-35821851-A-G.
Other names: c.82T>C, p.Ser28Pro (NM_001127668.4, NM_001127669.4, NM_001127670.4 and 4 more transcripts); short protein forms S28P.
Identifiers: ClinVar variation 3373998 (VCV003373998.2).